The following is an entry in ClinVar:

NM_001018115.3(FANCD2):c.967T>A (p.Leu323Met)

Genes: FANCD2 (FA complementation group D2; plus strand), LOC107303338 (3p25 FANCD2 Alu-mediated recombination region; plus strand). Cytogenetic location: 3p25.3.
Variant type: single nucleotide variant.
Coding change: c.967T>A on transcript NM_001018115.3 (MANE Select); coding-DNA position 967, T replaced by A.
Protein change: p.Leu323Met; replaces leucine 323 with methionine.
Molecular consequence: missense variant.
Genome position (GRCh38, 1-based): chr3:10,043,128, T>A. VCF-style: chr3-10043128-T-A. GRCh37 (hg19) VCF-style: chr3-10084812-T-A.
Other names: c.967T>A, p.Leu323Met (NM_001319984.2, NM_001374253.1, NM_001374254.1 and 1 more transcripts); short protein forms L323M.
Identifiers: ClinVar variation 4698720 (VCV004698720.1).
Genomic context (GRCh38, chr3:10,043,128, plus strand): 5'-GAGAAGTTGGATCTGCAGCATTGTGTTTTGCCATCACGGTTACAGGCTTCCCAAGTAAAG[T>A]TGAAAAGTAAAGGACGAGCAAGGTAAAGAGCTCATCCTCACACAGGATGTCACAATTTTC-3'
Protein context (NP_001018125.1, residues 313-333): PSRLQASQVK[Leu323Met]KSKGRASSSG

ClinVar aggregate classification (germline): Uncertain significance (1 of 4 stars; one submission).

Conditions:
Fanconi anemia (FA). Also called: Fanconi's anemia. Identifiers: Orphanet 84, MedGen C0015625, MeSH D005199, MONDO:0019391.

gnomAD v4.1: 1 of 1,614,078 alleles (0.000062%); highest among the groups gnomAD compares: Non-Finnish European, 0.000085%; no homozygotes.

Submission:

Labcorp Genetics (formerly Invitae), Labcorp
Classification: Uncertain significance for Fanconi anemia. Last evaluated: 2025-03-24. Review status: criteria provided, single submitter. Criteria: Invitae Variant Classification Sherloc (09022015). Collection method: clinical testing. Allele origin: germline.
Comment: This sequence change replaces leucine, which is neutral and non-polar, with methionine, which is neutral and non-polar, at codon 323 of the FANCD2 protein (p.Leu323Met). This variant is not present in population databases (gnomAD no frequency). This variant has not been reported in the literature in individuals affected with FANCD2-related conditions. Invitae Evidence Modeling of protein sequence and biophysical properties (such as structural, functional, and spatial information, amino acid conservation, physicochemical variation, residue mobility, and thermodynamic stability) indicates that this missense variant is not expected to disrupt FANCD2 protein function with a negative predictive value of 80%. In summary, the available evidence is currently insufficient to determine the role of this variant in disease. Therefore, it has been classified as a Variant of Uncertain Significance.